The following is an entry in ClinVar:

ClinVar aggregate classification (germline): Uncertain significance (1 of 4 stars; one submission).

Submission:

Labcorp Genetics (formerly Invitae), Labcorp
Classification: Uncertain significance. Last evaluated: 2023-08-18. Review status: criteria provided, single submitter. Criteria: Invitae Variant Classification Sherloc (09022015). Collection method: clinical testing. Allele origin: germline.
Comment: Experimental studies and prediction algorithms are not available or were not evaluated, and the functional significance of this variant is currently unknown. In summary, the available evidence is currently insufficient to determine the role of this variant in disease. Therefore, it has been classified as a Variant of Uncertain Significance. ClinVar contains an entry for this variant (Variation ID: 1381302). This variant has not been reported in the literature in individuals affected with COL18A1-related conditions. This variant is not present in population databases (gnomAD no frequency). This sequence change replaces alanine, which is neutral and non-polar, with threonine, which is neutral and polar, at codon 203 of the COL18A1 protein (p.Ala203Thr). The COL18A1 gene has multiple clinically relevant transcripts. This variant occurs in alternate transcript NM_030582.4, and corresponds to NM_130445.3:c.107-12105G>A in the primary transcript.

NM_001379500.1(COL18A1):c.107-12105G>A

Gene: COL18A1 (collagen type XVIII alpha 1 chain; plus strand). Cytogenetic location: 21q22.3.
Variant type: single nucleotide variant.
Coding change: c.107-12105G>A on transcript NM_001379500.1 (MANE Select); 12105 bases into the intron before coding-DNA position 107, G replaced by A.
Molecular consequence: intron variant. On other transcripts: missense variant (2).
Genome position (GRCh38, 1-based): chr21:45,456,137, G>A. VCF-style: chr21-45456137-G-A. GRCh37 (hg19) VCF-style: chr21-46876051-G-A.
Other names: c.607G>A, p.Ala203Thr (NM_030582.4, NM_130444.3); short protein forms A203T.
Identifiers: ClinVar variation 1381302 (VCV001381302.6), dbSNP rs771686771, ClinGen allele CA410506448.
Genomic context (GRCh38, chr21:45,456,137, plus strand): 5'-ACCGAGGCTGGCACCTTGCCTGCACCCACCCCATCGCCTCCCTCCCTGGGCAGGCCCTGG[G>A]CACCACTCACGGGGCCCTCAGTGCCACCACCATCTTCAGGTAGAGCTTCTCTCTCCTCCT-3'